The following is an entry in ClinVar:

NM_006204.4(PDE6C):c.77G>C (p.Arg26Thr)

Gene: PDE6C (phosphodiesterase 6C; plus strand). Cytogenetic location: 10q23.33.
Variant type: single nucleotide variant.
Coding change: c.77G>C on transcript NM_006204.4 (MANE Select); coding-DNA position 77, G replaced by C.
Protein change: p.Arg26Thr; replaces arginine 26 with threonine.
Molecular consequence: missense variant.
Genome position (GRCh38, 1-based): chr10:93,612,802, G>C. VCF-style: chr10-93612802-G-C. GRCh37 (hg19) VCF-style: chr10-95372559-G-C.
Other names: short protein forms R26T.
Identifiers: ClinVar variation 1507062 (VCV001507062.6), dbSNP rs2134587355, ClinGen allele CA377621550.

ClinVar aggregate classification (germline): Uncertain significance (1 of 4 stars; one submission).

Allele frequency attached by ClinVar (database versions not stated): gnomAD exomes below 0.00001.
gnomAD v4.1: 5 of 1,614,216 alleles (0.00031%); highest among the groups gnomAD compares: Non-Finnish European, 0.00042%; no homozygotes.

Submission:

Labcorp Genetics (formerly Invitae), Labcorp
Classification: Uncertain significance. Last evaluated: 2021-08-23. Review status: criteria provided, single submitter. Criteria: Invitae Variant Classification Sherloc (09022015). Collection method: clinical testing. Allele origin: germline.
Comment: This variant is not present in population databases (ExAC no frequency). This variant has not been reported in the literature in individuals affected with PDE6C-related conditions. Algorithms developed to predict the effect of missense changes on protein structure and function are either unavailable or do not agree on the potential impact of this missense change (SIFT: "Deleterious"; PolyPhen-2: "Benign"; Align-GVGD: "Class C25"). In summary, the available evidence is currently insufficient to determine the role of this variant in disease. Therefore, it has been classified as a Variant of Uncertain Significance. This sequence change replaces arginine with threonine at codon 26 of the PDE6C protein (p.Arg26Thr). The arginine residue is moderately conserved and there is a moderate physicochemical difference between arginine and threonine.